The following is an entry in ClinVar:

ClinVar aggregate classification (germline): Conflicting classifications of pathogenicity. Review status: criteria provided, conflicting classifications (1 of 4 stars). 4 submissions from 4 submitters: Uncertain significance (3); Likely benign (1). Last evaluated 2023-07-19.

Conditions:
Hereditary cancer-predisposing syndrome. Also called: Neoplastic Syndromes, Hereditary; Hereditary Cancer Syndrome; Hereditary neoplastic syndrome; Tumor predisposition. Identifiers: Orphanet 140162, MedGen C0027672, MeSH D009386, MONDO:0015356.
Hereditary breast ovarian cancer syndrome. Also called: Hereditary breast and ovarian cancer syndrome (HBOC); Hereditary breast and/or ovarian cancer syndrome; Breast and ovarian cancer; Hereditary breast and ovarian cancer syndrome; BRCA1- and BRCA2-Associated Hereditary Breast and Ovarian Cancer; Hereditary breast and ovarian cancer. Identifiers: Orphanet 145, MedGen C0677776, MeSH D061325, MONDO:0003582. Disease mechanism: loss of function.
Breast-ovarian cancer, familial, susceptibility to, 2 (BROVCA2). Also called: BRCA2 Hereditary Breast and Ovarian Cancer. Identifiers: Orphanet 145, MedGen C2675520, MONDO:0012933, OMIM 612555. Disease mechanism: loss of function.

Allele frequency attached by ClinVar (database versions not stated): gnomAD exomes below 0.00001 and 0.00001; ExAC 0.00001.
gnomAD v4.1: 9 of 1,613,808 alleles (0.00056%); highest among the groups gnomAD compares: Non-Finnish European, 0.00068%; no homozygotes.

Submissions (4):

All of Us Research Program, National Institutes of Health
Classification: Uncertain significance for Breast-ovarian cancer, familial, susceptibility to, 2. Last evaluated: 2023-07-19. Review status: criteria provided, single submitter. Criteria: ACMG Guidelines, 2015. Collection method: clinical testing. Allele origin: germline. Inheritance: Autosomal dominant inheritance. Observed: 1 variant allele, 1 heterozygote.
Comment: This missense variant replaces leucine with valine at codon 782 of the BRCA2 protein. Computational prediction suggests that this variant may not impact protein structure and function (internally defined REVEL score threshold <= 0.5, PMID: 27666373). To our knowledge, functional studies have not been reported for this variant. This variant has not been reported in individuals affected with BRCA2-related disorders in the literature. This variant has been identified in 1/250856 chromosomes in the general population by the Genome Aggregation Database (gnomAD). The available evidence is insufficient to determine the role of this variant in disease conclusively. Therefore, this variant is classified as a Variant of Uncertain Significance.

This study involves interpretation of variants in research participants for the purpose of population health screening. Participant phenotype was not available at the time of variant classification. Additional details can be found in publication PMID: 35346344, PMCID: PMC8962531

Labcorp Genetics (formerly Invitae), Labcorp
Classification: Uncertain significance for Hereditary breast ovarian cancer syndrome. Last evaluated: 2023-07-11. Review status: criteria provided, single submitter. Criteria: Invitae Variant Classification Sherloc (09022015). Collection method: clinical testing. Allele origin: germline.
Comment: This variant is present in population databases (rs749810048, gnomAD 0.0009%). This variant has not been reported in the literature in individuals affected with BRCA2-related conditions. ClinVar contains an entry for this variant (Variation ID: 852894). Advanced modeling of protein sequence and biophysical properties (such as structural, functional, and spatial information, amino acid conservation, physicochemical variation, residue mobility, and thermodynamic stability) performed at Invitae indicates that this missense variant is not expected to disrupt BRCA2 protein function. In summary, the available evidence is currently insufficient to determine the role of this variant in disease. Therefore, it has been classified as a Variant of Uncertain Significance. This sequence change replaces leucine, which is neutral and non-polar, with valine, which is neutral and non-polar, at codon 782 of the BRCA2 protein (p.Leu782Val).

Color Diagnostics, LLC DBA Color Health
Classification: Uncertain significance for Hereditary cancer-predisposing syndrome. Last evaluated: 2023-05-25. Review status: criteria provided, single submitter. Criteria: ACMG Guidelines, 2015. Collection method: clinical testing. Allele origin: germline.
Comment: This missense variant replaces leucine with valine at codon 782 of the BRCA2 protein. Computational prediction suggests that this variant may not impact protein structure and function (internally defined REVEL score threshold <= 0.5, PMID: 27666373). To our knowledge, functional studies have not been reported for this variant. This variant has not been reported in individuals affected with BRCA2-related disorders in the literature. This variant has been identified in 1/250856 chromosomes in the general population by the Genome Aggregation Database (gnomAD). The available evidence is insufficient to determine the role of this variant in disease conclusively. Therefore, this variant is classified as a Variant of Uncertain Significance.

University of Washington Department of Laboratory Medicine, University of Washington
Classification: Likely benign for Hereditary cancer-predisposing syndrome. Last evaluated: 2023-03-23. Review status: criteria provided, single submitter. Criteria: Dines et al. (Genet Med. 2020). Collection method: curation. Allele origin: germline.
Comment: Missense variant in a coldspot region where missense variants are very unlikely to be pathogenic (PMID:31911673).

BRCA2 exon 11 coldspot. Reclassification based on statistical prior probability.

NM_000059.4(BRCA2):c.2344C>G (p.Leu782Val)

Gene: BRCA2 (BRCA2 DNA repair associated; plus strand). Cytogenetic location: 13q13.1.
Variant type: single nucleotide variant.
Coding change: c.2344C>G on transcript NM_000059.4 (MANE Select); coding-DNA position 2344, C replaced by G.
Protein change: p.Leu782Val; replaces leucine 782 with valine.
Molecular consequence: missense variant.
Genome position (GRCh38, 1-based): chr13:32,336,699, C>G. VCF-style: chr13-32336699-C-G. GRCh37 (hg19) VCF-style: chr13-32910836-C-G.
Other names: short protein forms L782V.
Identifiers: ClinVar variation 852894 (VCV000852894.16), dbSNP rs749810048, ClinGen allele CA6940596.
Genomic context (GRCh38, chr13:32,336,699, plus strand): 5'-GATCATGAAAATGCCAGCACTCTTATTTTAACTCCTACTTCCAAGGATGTTCTGTCAAAC[C>G]TAGTCATGATTTCTAGAGGCAAAGAATCATACAAAATGTCAGACAAGCTCAAAGGTAACA-3'
Protein context (NP_000050.3, residues 772-792): TPTSKDVLSN[Leu782Val]VMISRGKESY